The following is an entry in ClinVar:

ClinVar aggregate classification (germline): Uncertain significance (1 of 4 stars; one submission).

Submission:

CeGaT Center for Human Genetics Tuebingen
Classification: Uncertain significance. Last evaluated: 2022-08-01. Review status: criteria provided, single submitter. Criteria: CeGaT Center For Human Genetics Tuebingen Variant Classification Criteria Version 2. Collection method: clinical testing. Allele origin: germline. Affected: yes. Observed: 1 variant allele.
Comment: RP1: PM2, BP4

NM_006269.2(RP1):c.4081G>A (p.Glu1361Lys)

Gene: RP1 (RP1 axonemal microtubule associated; plus strand). Cytogenetic location: 8q12.1.
Variant type: single nucleotide variant.
Coding change: c.4081G>A on transcript NM_006269.2 (MANE Select); coding-DNA position 4081, G replaced by A.
Protein change: p.Glu1361Lys; replaces glutamic acid 1361 with lysine.
Molecular consequence: missense variant. On other transcripts: intron variant (1).
Genome position (GRCh38, 1-based): chr8:54,627,963, G>A. VCF-style: chr8-54627963-G-A. GRCh37 (hg19) VCF-style: chr8-55540523-G-A.
Other names: c.787+5675G>A (NM_001375654.1); short protein forms E1361K.
Identifiers: ClinVar variation 1711676 (VCV001711676.30), dbSNP rs1806119537, ClinGen allele CA370981223.